The following is an entry in ClinVar:

NM_007272.3(CTRC):c.366T>G (p.Ile122Met)

Gene: CTRC (chymotrypsin C; plus strand). Cytogenetic location: 1p36.21.
Variant type: single nucleotide variant.
Coding change: c.366T>G on transcript NM_007272.3 (MANE Select); coding-DNA position 366, T replaced by G.
Protein change: p.Ile122Met; replaces isoleucine 122 with methionine.
Molecular consequence: missense variant.
Genome position (GRCh38, 1-based): chr1:15,443,428, T>G. VCF-style: chr1-15443428-T-G. GRCh37 (hg19) VCF-style: chr1-15769923-T-G.
Other names: short protein forms I122M.
Identifiers: ClinVar variation 3498414 (VCV003498414.1).

ClinVar aggregate classification (germline): Uncertain significance (1 of 4 stars; one submission).

Conditions:
Hereditary pancreatitis (PCTT). Also called: Hereditary chronic pancreatitis; PRSS1-Related Hereditary Pancreatitis. Identifiers: Orphanet 676, MedGen C0238339, MONDO:0008185, OMIM 167800.

gnomAD v4.1: 5 of 1,614,222 alleles (0.00031%); highest among the groups gnomAD compares: Non-Finnish European, 0.00042%; no homozygotes.

Submission:

Ambry Genetics
Classification: Uncertain significance for Hereditary pancreatitis. Last evaluated: 2024-11-23. Review status: criteria provided, single submitter. Criteria: Ambry Variant Classification Scheme 2023. Collection method: clinical testing. Allele origin: germline.
Comment: The p.I122M variant (also known as c.366T>G), located in coding exon 5 of the CTRC gene, results from a T to G substitution at nucleotide position 366. The isoleucine at codon 122 is replaced by methionine, an amino acid with highly similar properties. This amino acid position is conserved. In addition, this alteration is predicted to be deleterious by in silico analysis. Based on the available evidence, the clinical significance of this variant remains unclear.